The following is an entry in ClinVar:

ClinVar aggregate classification (germline): Pathogenic (1 of 4 stars; one submission).

Conditions:
Schimke immuno-osseous dysplasia (SIOD). Also called: Schimke Immunoosseous Dysplasia. Identifiers: Orphanet 1830, MedGen C0877024, MONDO:0009458, OMIM 242900.

Submission:

Labcorp Genetics (formerly Invitae), Labcorp
Classification: Pathogenic for Schimke immuno-osseous dysplasia. Last evaluated: 2025-09-30. Review status: criteria provided, single submitter. Criteria: Invitae Variant Classification Sherloc (09022015). Collection method: clinical testing. Allele origin: germline.
Comment: This sequence change creates a premature translational stop signal (p.Leu139Phefs*4) in the SMARCAL1 gene. It is expected to result in an absent or disrupted protein product. Loss-of-function variants in SMARCAL1 are known to be pathogenic (PMID: 11799392, 20301550). This variant is not present in population databases (gnomAD no frequency). This variant has not been reported in the literature in individuals affected with SMARCAL1-related conditions. For these reasons, this variant has been classified as Pathogenic.

Literature cited by the submitters: PubMed 11799392; PubMed 20301550.

NM_014140.4(SMARCAL1):c.416dup (p.Leu139fs)

Gene: SMARCAL1 (SNF2 related chromatin remodeling annealing helicase 1; plus strand). Cytogenetic location: 2q35.
Variant type: Duplication.
Coding change: c.416dup on transcript NM_014140.4 (MANE Select); coding-DNA position 416, one base duplicated (T; older notation c.416dupT).
Protein change: p.Leu139fs; shifts the reading frame from leucine 139.
Molecular consequence: frameshift variant.
Genome position (GRCh38, 1-based): chr2:216,415,120, T duplicated; the last of 2 consecutive T bases (chr2:216,415,119-216,415,120); duplicating either gives the same sequence. VCF-style (leftmost placement, unchanged base first): chr2-216415118-C-CT. GRCh37 (hg19) VCF-style: chr2-217279841-C-CT.
Other names: c.416dup, p.Leu139fs (NM_001127207.2); short protein forms L139fs.
Identifiers: ClinVar variation 4716791 (VCV004716791.1).